The following is an entry in ClinVar:

ClinVar aggregate classification (germline): Pathogenic. Review status: reviewed by expert panel (3 of 4 stars). 6 submissions from 6 submitters: Pathogenic (1). 5 of the submissions do not count toward it. Last evaluated 2019-06-18.

Conditions:
Hereditary cancer-predisposing syndrome. Also called: Hereditary neoplastic syndrome; Neoplastic Syndromes, Hereditary; Tumor predisposition; Hereditary Cancer Syndrome. Identifiers: Orphanet 140162, MedGen C0027672, MeSH D009386, MONDO:0015356.
Breast-ovarian cancer, familial, susceptibility to, 2 (BROVCA2). Also called: BRCA2 Hereditary Breast and Ovarian Cancer. Identifiers: Orphanet 145, MedGen C2675520, MONDO:0012933, OMIM 612555. Disease mechanism: loss of function.
Hereditary breast ovarian cancer syndrome. Also called: BRCA1- and BRCA2-Associated Hereditary Breast and Ovarian Cancer; Hereditary breast and ovarian cancer; Breast and ovarian cancer; Hereditary breast and/or ovarian cancer syndrome; Hereditary breast and ovarian cancer syndrome; Hereditary breast and ovarian cancer syndrome (HBOC). Identifiers: Orphanet 145, MedGen C0677776, MeSH D061325, MONDO:0003582. Disease mechanism: loss of function.
Familial cancer of breast. Also called: hereditary breast carcinoma; BREAST CANCER, FAMILIAL; Hereditary breast cancer. Identifiers: Orphanet 227535, MedGen C0346153, MONDO:0016419, OMIM 114480. Disease mechanism: loss of function.

Submissions (6):

Evidence-based Network for the Interpretation of Germline Mutant Alleles (ENIGMA)
Classification: Pathogenic for Breast-ovarian cancer, familial, susceptibility to, 2. Last evaluated: 2019-06-18. Review status: reviewed by expert panel. Criteria: ENIGMA BRCA1/2 Classification Criteria (2017-06-29). Collection method: curation. Allele origin: germline.
Comment: IARC class based on posterior probability from multifactorial likelihood analysis, thresholds for class as per Plon et al. 2008 (PMID: 18951446). Class 5 based on posterior probability = 0.990758

Ambry Genetics
Classification: Likely pathogenic for Hereditary cancer-predisposing syndrome. Last evaluated: 2025-09-11. Review status: criteria provided, single submitter. Criteria: Ambry Variant Classification Scheme 2023. Collection method: clinical testing. Allele origin: germline. Not counted in ClinVar's aggregate classification.
Comment: The c.8633-24_8634del26 variant results from a deletion of 26 nucleotides starting 24 nucleotides before coding exon 20 and including the first 2 nucleotides of coding exon 20 of the BRCA2 gene. This alteration was identified in a large, worldwide study of BRCA1/2 mutation positive families (Rebbeck TR et al. Hum Mutat. 2018 May;39(5):593-620). This alteration was also classified as pathogenic in a multifactorial model of variant interpretation that incorporates co-segregation, family history, co-occurrence and tumor pathology and case-control data (Parsons MT et al. Hum Mutat. 2019 Sep;40(9):1557-1578). This variant is considered to be rare based on population cohorts in the Genome Aggregation Database (gnomAD). This deletion includes the canonical acceptor site of coding exon 20, which is highly conserved in available vertebrate species. In silico splice site analysis predicts that this alteration will weaken the native splice acceptor site; however direct evidence is insufficient at this time (Ambry internal data). Alterations that disrupt the canonical splice site are expected to cause aberrant splicing, resulting in an abnormal protein or a transcript that is subject to nonsense-mediated mRNA decay. As such, this alteration is classified as likely pathogenic.

Baylor Genetics
Classification: Pathogenic for Familial cancer of breast. Last evaluated: 2023-10-17. Review status: criteria provided, single submitter. Criteria: ACMG Guidelines, 2015. Collection method: clinical testing. Allele origin: unknown. Not counted in ClinVar's aggregate classification.

Color Diagnostics, LLC DBA Color Health
Classification: Likely pathogenic for Hereditary cancer-predisposing syndrome. Last evaluated: 2022-03-09. Review status: criteria provided, single submitter. Criteria: ACMG Guidelines, 2015. Collection method: clinical testing. Allele origin: germline. Not counted in ClinVar's aggregate classification.
Comment: This variant causes a 26 nucleotide deletion from the -24 position in intron 20 into exon 21 of the BRCA2 gene. RNA studies have shown that this variant causes exon 21 skipping, resulting in a frameshift and premature translation stop signal (PMID: 25382762). This variant has not been reported in individuals affected with hereditary cancer in the literature. This variant has not been identified in the general population by the Genome Aggregation Database (gnomAD). Loss of BRCA2 function is a known mechanism of disease. Based on the available evidence, this variant is classified as Likely Pathogenic.

Labcorp Genetics (formerly Invitae), Labcorp
Classification: Pathogenic for Hereditary breast ovarian cancer syndrome. Last evaluated: 2020-08-07. Review status: criteria provided, single submitter. Criteria: Invitae Variant Classification Sherloc (09022015). Collection method: clinical testing. Allele origin: germline. Not counted in ClinVar's aggregate classification.
Comment: Donor and acceptor splice site variants typically lead to a loss of protein function (PMID: 16199547), and loss-of-function variants in BRCA2 are known to be pathogenic (PMID: 20104584). For these reasons, this variant has been classified as Pathogenic. Algorithms developed to predict the effect of sequence changes on RNA splicing suggest that this variant may disrupt the consensus splice site, but this prediction has not been confirmed by published transcriptional studies. Based on a multifactorial likelihood algorithm using genetic, in silico, and/or statistical data, this variant has been determined to have a high probability of being pathogenic (PMID: 31131967). This variant has been observed in a family affected with hereditary breast and/or ovarian cancer (PMID: 29446198). This variant has been reported in individuals in the Leiden Open-source Variation Database (PMID: 21520333). This variant is also known as c.8633-24_8634del in the literature. ClinVar contains an entry for this variant (Variation ID: 267703). This variant is not present in population databases (ExAC no frequency). This sequence change affects an acceptor splice site in intron 20 of the BRCA2 gene. It is expected to disrupt RNA splicing and likely results in an absent or disrupted protein product.

Consortium of Investigators of Modifiers of BRCA1/2 (CIMBA), c/o University of Cambridge
Classification: Pathogenic for Breast-ovarian cancer, familial, susceptibility to, 2. Last evaluated: 2015-10-02. Review status: criteria provided, single submitter. Criteria: CIMBA Mutation Classification guidelines May 2016. Collection method: clinical testing. Allele origin: germline. Not counted in ClinVar's aggregate classification.

Literature cited by the submitters: PubMed 31131967 (cited by 3 submitters); PubMed 29446198 (cited by Ambry Genetics and Labcorp Genetics (formerly Invitae), Labcorp); PubMed 25382762 (cited by Color Diagnostics, LLC DBA Color Health); PubMed 16199547 (cited by Labcorp Genetics (formerly Invitae), Labcorp); PubMed 20104584 (cited by Labcorp Genetics (formerly Invitae), Labcorp); PubMed 21520333 (cited by Labcorp Genetics (formerly Invitae), Labcorp).

NM_000059.4(BRCA2):c.8633-24_8634del

Gene: BRCA2 (BRCA2 DNA repair associated; plus strand). Cytogenetic location: 13q13.1.
Variant type: Deletion.
Coding change: c.8633-24_8634del on transcript NM_000059.4 (MANE Select); 24 bases into the intron before coding-DNA position 8633 through coding-DNA position 8634, 26 bases deleted (TTAATAATCCTTTTGTTTTCTTAGAA).
Molecular consequence: splice acceptor variant.
Genome position (GRCh38, 1-based): chr13:32,376,646-32,376,671, TTAATAATCCTTTTGTTTTCTTAGAA deleted; deleting any 26 consecutive bases within chr13:32,376,643-32,376,671 gives the same sequence; the c. name uses the placement nearest the transcript's 3' end. VCF-style (leftmost placement, unchanged base first): chr13-32376642-TGAATTAATAATCCTTTTGTTTTCTTA-T. GRCh37 (hg19) VCF-style: chr13-32950779-TGAATTAATAATCCTTTTGTTTTCTTA-T.
Other names: c.8633-24_8634del26 (NM_000059.3).
Identifiers: ClinVar variation 267703 (VCV000267703.23), dbSNP rs886040945, ClinGen allele CA10602550.